The following is an entry in ClinVar:

NM_000441.2(SLC26A4):c.241A>G (p.Lys81Glu)

Gene: SLC26A4 (solute carrier family 26 member 4; plus strand). Cytogenetic location: 7q22.3.
Variant type: single nucleotide variant.
Coding change: c.241A>G on transcript NM_000441.2 (MANE Select); coding-DNA position 241, A replaced by G.
Protein change: p.Lys81Glu; replaces lysine 81 with glutamic acid.
Molecular consequence: missense variant.
Genome position (GRCh38, 1-based): chr7:107,663,372, A>G. VCF-style: chr7-107663372-A-G. GRCh37 (hg19) VCF-style: chr7-107303817-A-G.
Other names: short protein forms K81E.
Identifiers: ClinVar variation 3336559 (VCV003336559.1).

ClinVar aggregate classification (germline): Uncertain significance (1 of 4 stars; one submission).

Submission:

Women's Health and Genetics/Laboratory Corporation of America, LabCorp
Classification: Uncertain significance. Last evaluated: 2024-05-30. Review status: criteria provided, single submitter. Criteria: LabCorp Variant Classification Summary - May 2015. Collection method: clinical testing. Allele origin: germline.
Comment: Variant summary: SLC26A4 c.241A>G (p.Lys81Glu) results in a conservative amino acid change in the encoded protein sequence. Four of five in-silico tools predict a damaging effect of the variant on protein function. The variant was absent in 251488 control chromosomes. The available data on variant occurrences in the general population are insufficient to allow any conclusion about variant significance. c.241A>G has been reported in the literature in compound heterozygous state with a pathogenic variant in an individual affected with Autosomal recessive Enlarged vestibular aqueduct and hearing loss (Lin_2019, Wu_2019). These data do not allow any conclusion about variant significance. To our knowledge, no experimental evidence demonstrating an impact on protein function has been reported. The following publications have been ascertained in the context of this evaluation (PMID: 30268946, 31581539). No submitters have cited clinical-significance assessments for this variant to ClinVar. Based on the evidence outlined above, the variant was classified as uncertain significance.

Literature cited by the submitters: PubMed 31581539; PubMed 30268946.